The following is an entry in ClinVar:

ClinVar aggregate classification (germline): Uncertain significance (1 of 4 stars; one submission).

Conditions:
Periventricular nodular heterotopia 7 (PVNH7). Identifiers: MedGen C4310669, MONDO:0014966, OMIM 617201.

Allele frequency attached by ClinVar (database versions not stated): gnomAD exomes below 0.00001; TOPMed below 0.00001; gnomAD 0.00001.
gnomAD v4.1: 4 of 1,613,872 alleles (0.00025%); highest among the groups gnomAD compares: African/African-American, 0.0013%; no homozygotes.

Submission:

Baylor Genetics
Classification: Uncertain significance for Periventricular nodular heterotopia 7. Last evaluated: 2020-04-15. Review status: criteria provided, single submitter. Criteria: ACMG Guidelines, 2015. Collection method: clinical testing. Allele origin: unknown. Affected: yes.
Comment: This variant was determined to be of uncertain significance according to ACMG Guidelines, 2015 [PMID:25741868].

NM_001144967.3(NEDD4L):c.719T>A (p.Ile240Asn)

Gene: NEDD4L (NEDD4 like E3 ubiquitin protein ligase; plus strand). Cytogenetic location: 18q21.31.
Variant type: single nucleotide variant.
Coding change: c.719T>A on transcript NM_001144967.3 (MANE Select); coding-DNA position 719, T replaced by A.
Protein change: p.Ile240Asn; replaces isoleucine 240 with asparagine.
Molecular consequence: missense variant.
Genome position (GRCh38, 1-based): chr18:58,329,033, T>A. VCF-style: chr18-58329033-T-A. GRCh37 (hg19) VCF-style: chr18-55996265-T-A.
Other names: c.356T>A, p.Ile119Asn (NM_001144964.1, NM_001144965.2, NM_001144966.3 and 2 more transcripts); c.695T>A, p.Ile232Asn (NM_001144968.2, NM_001144969.2); c.719T>A, p.Ile240Asn (NM_001243960.2, NM_015277.6); short protein forms I232N, I240N, I119N.
Identifiers: ClinVar variation 1031161 (VCV001031161.1), dbSNP rs1187131098, ClinGen allele CA402554435.